The following is an entry in ClinVar:

NM_001379200.1(TBX1):c.232G>A (p.Ala78Thr)

Gene: TBX1 (T-box transcription factor 1; plus strand). Cytogenetic location: 22q11.21.
Variant type: single nucleotide variant.
Coding change: c.232G>A on transcript NM_001379200.1 (MANE Select); coding-DNA position 232, G replaced by A.
Protein change: p.Ala78Thr; replaces alanine 78 with threonine.
Molecular consequence: missense variant.
Genome position (GRCh38, 1-based): chr22:19,761,075, G>A. VCF-style: chr22-19761075-G-A. GRCh37 (hg19) VCF-style: chr22-19748598-G-A.
Other names: c.205G>A, p.Ala69Thr (NM_005992.1, NM_080646.2, NM_080647.1); short protein forms A69T, A78T.
Identifiers: ClinVar variation 506425 (VCV000506425.12), dbSNP rs1028072654, ClinGen allele CA322052007.
Genomic context (GRCh38, chr22:19,761,075, plus strand): 5'-CGCTACGACCCGTGCGCCGCCGCCGCCCCCGGCGCCCCGGGCCCGCCGCCGCCGCCGCAC[G>A]CCTACCCGTTTGCGCCGGCCGCCGGGGCCGCCACCAGCGCCGCCGCCGAGCCCGAGGGCC-3'
Protein context (NP_001366129.1, residues 68-88): GAPGPPPPPH[Ala78Thr]YPFAPAAGAA

ClinVar aggregate classification (germline): Conflicting classifications of pathogenicity. Review status: criteria provided, conflicting classifications (1 of 4 stars). 4 submissions from 4 submitters: Uncertain significance (3); Likely benign (1). Last evaluated 2026-03-31.

Conditions:
DiGeorge syndrome. Also called: THIRD AND FOURTH PHARYNGEAL POUCH SYNDROME; Catch22. Identifiers: Orphanet 567, MedGen C0012236, MONDO:0008564, OMIM 188400.
TBX1-related disorder. Also called: TBX1-related condition; TBX1-Related Disorders.
Cardiovascular phenotype. Identifiers: MedGen CN230736.

Allele frequency attached by ClinVar (database versions not stated): gnomAD exomes 0.00002; TOPMed 0.00009.
gnomAD v4.1: 26 of 984,304 alleles (0.0026%); highest among the groups gnomAD compares: Middle Eastern, 0.098%; no homozygotes.

Submissions (4):

Ambry Genetics
Classification: Uncertain significance for Cardiovascular phenotype. Last evaluated: 2026-03-31. Review status: criteria provided, single submitter. Criteria: Ambry Variant Classification Scheme 2023. Collection method: clinical testing. Allele origin: germline.

Labcorp Genetics (formerly Invitae), Labcorp
Classification: Uncertain significance for DiGeorge syndrome. Last evaluated: 2026-01-24. Review status: criteria provided, single submitter. Criteria: Invitae Variant Classification Sherloc (09022015). Collection method: clinical testing. Allele origin: germline.
Comment: This sequence change replaces alanine, which is neutral and non-polar, with threonine, which is neutral and polar, at codon 69 of the TBX1 protein (p.Ala69Thr). The frequency data for this variant in the population databases is considered unreliable, as metrics indicate insufficient coverage at this position in the gnomAD database. This variant has not been reported in the literature in individuals affected with TBX1-related conditions. ClinVar contains an entry for this variant (Variation ID: 506425). Invitae Evidence Modeling of protein sequence and biophysical properties (such as structural, functional, and spatial information, amino acid conservation, physicochemical variation, residue mobility, and thermodynamic stability) indicates that this missense variant is not expected to disrupt TBX1 protein function with a negative predictive value of 80%. In summary, the available evidence is currently insufficient to determine the role of this variant in disease. Therefore, it has been classified as a Variant of Uncertain Significance.

PreventionGenetics, part of Exact Sciences
Classification: Uncertain significance for TBX1-related condition. Last evaluated: 2026-01-08. Review status: criteria provided, single submitter. Criteria: ACMG Guidelines, 2015. Collection method: clinical testing. Allele origin: germline.
Comment: The TBX1 c.205G>A variant is predicted to result in the amino acid substitution p.Ala69Thr. To our knowledge, this variant has not been reported in the literature or in a large population database (gnomAD), indicating this variant is rare. At this time, the clinical significance of this variant is uncertain due to the absence of conclusive functional and genetic evidence.

GeneDx
Classification: Likely benign. Last evaluated: 2017-12-19. Review status: criteria provided, single submitter. Criteria: GeneDx Variant Classification (06012015). Collection method: clinical testing. Allele origin: germline. Affected: yes.
Comment: This variant is considered likely benign or benign based on one or more of the following criteria: it is a conservative change, it occurs at a poorly conserved position in the protein, it is predicted to be benign by multiple in silico algorithms, and/or has population frequency not consistent with disease.